The following is an entry in ClinVar:

ClinVar aggregate classification (germline): Conflicting classifications of pathogenicity. Review status: criteria provided, conflicting classifications (1 of 4 stars). 3 submissions from 3 submitters: Uncertain significance (2); Likely benign (1). Last evaluated 2026-01-27.

Conditions:
Inborn genetic diseases. Identifiers: MedGen C0950123, MeSH D030342.
NBAS-related disorder. Also called: NBAS-related condition.

Allele frequency attached by ClinVar (database versions not stated): ExAC 0.00002; gnomAD exomes 0.00004; 1000 Genomes Project 30x 0.00016; 1000 Genomes Project 0.00020; gnomAD 0.00028 and 0.00029; TOPMed 0.00031.
gnomAD v4.1: 75 of 1,612,316 alleles (0.0047%); highest among the groups gnomAD compares: African/African-American, 0.091%; no homozygotes.

Submissions (3):

Labcorp Genetics (formerly Invitae), Labcorp
Classification: Likely benign. Last evaluated: 2026-01-27. Review status: criteria provided, single submitter. Criteria: Invitae Variant Classification Sherloc (09022015). Collection method: clinical testing. Allele origin: germline.

PreventionGenetics, part of Exact Sciences
Classification: Uncertain significance for NBAS-related condition. Last evaluated: 2025-12-31. Review status: criteria provided, single submitter. Criteria: ACMG Guidelines, 2015. Collection method: clinical testing. Allele origin: germline.
Comment: The NBAS c.4138A>G variant is predicted to result in the amino acid substitution p.Asn1380Asp. To our knowledge, this variant has not been reported in the literature. This variant is reported in 0.080% of alleles in individuals of African descent in gnomAD. At this time, the clinical significance of this variant is uncertain due to the absence of conclusive functional and genetic evidence.

Ambry Genetics
Classification: Uncertain significance for Inborn genetic diseases. Last evaluated: 2024-01-19. Review status: criteria provided, single submitter. Criteria: Ambry Variant Classification Scheme 2023. Collection method: clinical testing. Allele origin: germline.

NM_015909.4(NBAS):c.4138A>G (p.Asn1380Asp)

Gene: NBAS (NBAS subunit of NRZ tethering complex; minus strand). Cytogenetic location: 2p24.3.
Variant type: single nucleotide variant.
Coding change: c.4138A>G on transcript NM_015909.4 (MANE Select); coding-DNA position 4138, A replaced by G.
Protein change: p.Asn1380Asp; replaces asparagine 1380 with aspartic acid.
Molecular consequence: missense variant. On other transcripts: non-coding transcript variant (1).
Genome position (GRCh38, 1-based): chr2:15,352,033, T>C on the plus strand (A>G on the coding strand, the complement: NBAS is on the minus strand). VCF-style: chr2-15352033-T-C. GRCh37 (hg19) VCF-style: chr2-15492157-T-C.
Other names: c.4138A>G (NM_015909.2, NM_015909.3); short protein forms N1380D.
Identifiers: ClinVar variation 1427345 (VCV001427345.8), dbSNP rs75805245, ClinGen allele CA1535776.
Genomic context (GRCh38, chr2:15,352,033, plus strand): 5'-CTCCCTCATTTTAACTTACCTCTTGTACTGCTTTACTAGTTAATGGTGAAGCACTGATAT[T>C]TTCCCCTCCTTCATGATGGATCTGGAAATTCACTCTTTGATAAAGAATCTAAAACAAGAA-3'
Protein context (NP_056993.2, residues 1370-1390): NFQIHHEGGE[Asn1380Asp]ISASPLTSKA